The following is an entry in ClinVar:

NM_001853.4(COL9A3):c.109C>A (p.Pro37Thr)

Gene: COL9A3 (collagen type IX alpha 3 chain; plus strand). Cytogenetic location: 20q13.33.
Variant type: single nucleotide variant.
Coding change: c.109C>A on transcript NM_001853.4 (MANE Select); coding-DNA position 109, C replaced by A.
Protein change: p.Pro37Thr; replaces proline 37 with threonine.
Molecular consequence: missense variant.
Genome position (GRCh38, 1-based): chr20:62,817,597, C>A. VCF-style: chr20-62817597-C-A. GRCh37 (hg19) VCF-style: chr20-61448949-C-A.
Other names: short protein forms P37T.
Identifiers: ClinVar variation 2574274 (VCV002574274.4), dbSNP rs977898091, ClinGen allele CA409587122.

ClinVar aggregate classification (germline): Uncertain significance. Review status: criteria provided, multiple submitters, no conflicts (2 of 4 stars). 2 submissions from 2 submitters: Uncertain significance (2). Last evaluated 2025-09-02.

gnomAD v4.1: 4 of 1,547,206 alleles (0.00026%); highest among the groups gnomAD compares: African/African-American, 0.0055%; no homozygotes.

Submissions (2):

Labcorp Genetics (formerly Invitae), Labcorp
Classification: Uncertain significance. Last evaluated: 2025-09-02. Review status: criteria provided, single submitter. Criteria: Invitae Variant Classification Sherloc (09022015). Collection method: clinical testing. Allele origin: germline.
Comment: This sequence change replaces proline, which is neutral and non-polar, with threonine, which is neutral and polar, at codon 37 of the COL9A3 protein (p.Pro37Thr). This variant is present in population databases (no rsID available, gnomAD 0.01%). This variant has not been reported in the literature in individuals affected with COL9A3-related conditions. ClinVar contains an entry for this variant (Variation ID: 2574274). Invitae Evidence Modeling of protein sequence and biophysical properties (such as structural, functional, and spatial information, amino acid conservation, physicochemical variation, residue mobility, and thermodynamic stability) indicates that this missense variant is not expected to disrupt COL9A3 protein function with a negative predictive value of 95%. In summary, the available evidence is currently insufficient to determine the role of this variant in disease. Therefore, it has been classified as a Variant of Uncertain Significance.

GeneDx
Classification: Uncertain significance. Last evaluated: 2023-01-26. Review status: criteria provided, single submitter. Criteria: GeneDx Variant Classification Process June 2021. Collection method: clinical testing. Allele origin: germline. Affected: yes.
Comment: Has not been previously published as pathogenic or benign to our knowledge; Not observed at significant frequency in large population cohorts (gnomAD); In silico analysis supports that this missense variant does not alter protein structure/function